The following is an entry in ClinVar:

ClinVar aggregate classification (germline): Pathogenic. Review status: criteria provided, single submitter (1 of 4 stars). 2 submissions from 2 submitters: Pathogenic (1). 1 of the submissions does not count toward it. Last evaluated 2023-08-24.

Conditions:
Breast carcinoma. Also called: Carcinoma of breast. Identifiers: MedGen C0678222, MONDO:0004989, HP:0003002.

Submissions (2):

Quest Diagnostics Nichols Institute San Juan Capistrano
Classification: Pathogenic. Last evaluated: 2023-08-24. Review status: criteria provided, single submitter. Criteria: Quest Diagnostics criteria. Collection method: clinical testing. Allele origin: unknown.
Comment: The BRCA2 c.8995_8996del (p.Leu2999Valfs*18) variant alters the translational reading frame of the BRCA2 mRNA and causes the premature termination of BRCA2 protein synthesis. This variant has been reported in the published literature in individuals with breast cancer (PMIDs: 32341426 (2020), 32658311 (2021)). This variant has not been reported in large, multi-ethnic general populations (Genome Aggregation Database). Based on the available information, this variant is classified as pathogenic.

Medical Genetics Laboratory, Umraniye Training and Research Hospital, University of Health Sciences
Classification: Likely pathogenic for Breast carcinoma. Last evaluated: 2021-08-08. Review status: no assertion criteria provided. Collection method: clinical testing. Allele origin: germline. Affected: yes. Observed: 1 variant allele, 1 heterozygote. Not counted in ClinVar's aggregate classification.
Comment: appendix cancer

Literature cited by the submitters: PubMed 32341426 (cited by Quest Diagnostics Nichols Institute San Juan Capistrano); PubMed 35132179 (cited by Quest Diagnostics Nichols Institute San Juan Capistrano); PubMed 32658311 (cited by Quest Diagnostics Nichols Institute San Juan Capistrano).

NM_000059.4(BRCA2):c.8995_8996del (p.Leu2999fs)

Gene: BRCA2 (BRCA2 DNA repair associated; plus strand). Cytogenetic location: 13q13.1.
Variant type: Microsatellite.
Coding change: c.8995_8996del on transcript NM_000059.4 (MANE Select); coding-DNA positions 8995 to 8996, 2 bases deleted (CT; older notation c.8995_8996delCT).
Protein change: p.Leu2999fs; shifts the reading frame from leucine 2999.
Molecular consequence: frameshift variant.
Genome position (GRCh38, 1-based): chr13:32,379,791-32,379,792, CT deleted; deleting any 2 consecutive bases within chr13:32,379,788-32,379,792 gives the same sequence; the c. name uses the placement nearest the transcript's 3' end. VCF-style (leftmost placement, unchanged base first): chr13-32379787-TTC-T. GRCh37 (hg19) VCF-style: chr13-32953924-TTC-T.
Other names: c.8995_8996delCT (NM_000059.4); c.8995_8996del (NM_000059.3); short protein forms L2999fs.
Identifiers: ClinVar variation 1192527 (VCV001192527.3), dbSNP rs2137622356, ClinGen allele CA2580614704.
Genomic context (GRCh38, chr13:32,379,787, plus strand): 5'-CTTTCTCATCTTTCTCCAAACAGTTATACTGAGTATTTGGCGTCCATCATCAGATTTATA[TTC>T]TCTGTTAACAGAAGGAAAGAGATACAGAATTTATCATCTTGCAACTTCAAAATCTAAAAG-3'